The following is an entry in ClinVar:

NM_000091.5(COL4A3):c.3454G>C (p.Gly1152Arg)

Genes: MFF-DT (MFF divergent transcript; minus strand), COL4A3 (collagen type IV alpha 3 chain; plus strand). Cytogenetic location: 2q36.3.
Variant type: single nucleotide variant.
Coding change: c.3454G>C on transcript NM_000091.5 (MANE Select); coding-DNA position 3454, G replaced by C.
Protein change: p.Gly1152Arg; replaces glycine 1152 with arginine.
Molecular consequence: missense variant.
Genome position (GRCh38, 1-based): chr2:227,294,999, G>C. VCF-style: chr2-227294999-G-C. GRCh37 (hg19) VCF-style: chr2-228159715-G-C.
Other names: short protein forms G1152R.
Identifiers: ClinVar variation 556711 (VCV000556711.11), dbSNP rs749383170, ClinGen allele CA350858790.

ClinVar aggregate classification (germline): Pathogenic/Likely pathogenic. Review status: criteria provided, multiple submitters, no conflicts (2 of 4 stars). 5 submissions from 5 submitters: Pathogenic (2); Likely pathogenic (2). 1 of the submissions does not count toward it. Last evaluated 2025-09-10.

Conditions:
Autosomal recessive Alport syndrome (ATS2). Also called: Alport syndrome type 2; ALPORT SYNDROME 2, AUTOSOMAL RECESSIVE; COL4A3-Related Nephropathy; COL4A4 Alport Syndrome and Thin Basement Membrane Nephropathy. Identifiers: Orphanet 63, Orphanet 88919, MedGen C4746745, MONDO:0008762, OMIM 203780.
Autosomal dominant Alport syndrome (ATS3A). Also called: ALPORT SYNDROME 3A, AUTOSOMAL DOMINANT; Alport syndrome dominant type; Renal failure and sensorineural hearing loss. Identifiers: Orphanet 63, Orphanet 88918, MedGen C5882663, MONDO:0007086, OMIM 104200.
Hematuria, benign familial, 2 (BFH2). Identifiers: MedGen C5830421, MONDO:0958186, OMIM 620320.
Alport syndrome 3b, autosomal recessive. Identifiers: MedGen C5882699, MONDO:0957811, OMIM 620536.
Alport syndrome. Also called: Hemorrhagic familial nephritis; Hemorrhagic hereditary nephritis; Congenital hereditary hematuria. Identifiers: Orphanet 63, MedGen C1567741, MONDO:0018965.

Submissions (5):

Natera, Inc.
Classification: Pathogenic for Alport syndrome. Last evaluated: 2025-09-10. Review status: criteria provided, single submitter. Criteria: Natera Variant Classification Schema (03/2026). Collection method: clinical testing. Allele origin: germline.
Comment: The c.3454G>C variant in COL4A3 is a missense variant predicted to cause substitution of glycine to arginine at amino acid 1152. This variant is rare in the general population with a frequency below the threshold expected for the associated phenotype(s). This variant has been observed in one or more individuals affected with the associated recessive disease, as either homozygous or compound heterozygous with a second variant (PMID: 32359821, 24854265). This variant is located in a functionally critical region of the protein. A different variant at the same position has been determined to be Pathogenic or Likely Pathogenic. Computational prediction algorithms indicate this variant is likely to affect gene or protein function. Given the available evidence, this variant is classified as Pathogenic.

Fulgent Genetics
Classification: Pathogenic for Autosomal dominant Alport syndrome; Hematuria, benign familial, 2; Alport syndrome 3b, autosomal recessive. Last evaluated: 2024-04-18. Review status: criteria provided, single submitter. Criteria: ACMG Guidelines, 2015. Collection method: clinical testing. Allele origin: germline.

Labcorp Genetics (formerly Invitae), Labcorp
Classification: Likely pathogenic. Last evaluated: 2023-04-28. Review status: criteria provided, single submitter. Criteria: Invitae Variant Classification Sherloc (09022015). Collection method: clinical testing. Allele origin: germline.
Comment: This missense change has been observed in individual(s) with clinical features of Alport syndrome (PMID: 24854265, 32359821). In at least one individual the data is consistent with being in trans (on the opposite chromosome) from a pathogenic variant. This variant is not present in population databases (gnomAD no frequency). This sequence change replaces glycine, which is neutral and non-polar, with arginine, which is basic and polar, at codon 1152 of the COL4A3 protein (p.Gly1152Arg). ClinVar contains an entry for this variant (Variation ID: 556711). In summary, the currently available evidence indicates that the variant is pathogenic, but additional data are needed to prove that conclusively. Therefore, this variant has been classified as Likely Pathogenic. This variant disrupts the p.Gly1152 amino acid residue in COL4A3. Other variant(s) that disrupt this residue have been observed in individuals with COL4A3-related conditions (PMID: 26809805), which suggests that this may be a clinically significant amino acid residue. Advanced modeling of protein sequence and biophysical properties (such as structural, functional, and spatial information, amino acid conservation, physicochemical variation, residue mobility, and thermodynamic stability) performed at Invitae indicates that this missense variant is expected to disrupt COL4A3 protein function.

Institute of Human Genetics Munich, TUM University Hospital
Classification: Likely pathogenic for Autosomal recessive Alport syndrome. Last evaluated: 2019-06-07. Review status: criteria provided, single submitter. Criteria: Classification criteria August 2017. Collection method: clinical testing. Allele origin: maternal. Inheritance: Autosomal recessive inheritance. Affected: yes. Observed: 1 compound heterozygote.

Counsyl
Classification: Likely pathogenic for Autosomal recessive Alport syndrome. Last evaluated: 2018-02-13. Review status: no assertion criteria provided. Collection method: clinical testing. Allele origin: unknown. Not counted in ClinVar's aggregate classification.

Literature cited by the submitters: PubMed 32359821 (cited by Natera, Inc. and Labcorp Genetics (formerly Invitae), Labcorp); PubMed 24854265 (cited by 3 submitters); PubMed 26809805 (cited by Labcorp Genetics (formerly Invitae), Labcorp).